The following is an entry in ClinVar:

ClinVar aggregate classification (germline): Uncertain significance (1 of 4 stars; one submission).

Submission:

Labcorp Genetics (formerly Invitae), Labcorp
Classification: Uncertain significance. Last evaluated: 2025-08-27. Review status: criteria provided, single submitter. Criteria: Invitae Variant Classification Sherloc (09022015). Collection method: clinical testing. Allele origin: germline.
Comment: This sequence change replaces valine, which is neutral and non-polar, with alanine, which is neutral and non-polar, at codon 497 of the LONP1 protein (p.Val497Ala). This variant is not present in population databases (gnomAD no frequency). This variant has not been reported in the literature in individuals affected with LONP1-related conditions. Invitae Evidence Modeling of protein sequence and biophysical properties (such as structural, functional, and spatial information, amino acid conservation, physicochemical variation, residue mobility, and thermodynamic stability) has been performed for this missense variant. However, the output from this modeling did not meet the statistical confidence thresholds required to predict the impact of this variant on LONP1 protein function. In summary, the available evidence is currently insufficient to determine the role of this variant in disease. Therefore, it has been classified as a Variant of Uncertain Significance.

NM_004793.4(LONP1):c.1490T>C (p.Val497Ala)

Gene: LONP1 (lon peptidase 1, mitochondrial; minus strand). Cytogenetic location: 19p13.3.
Variant type: single nucleotide variant.
Coding change: c.1490T>C on transcript NM_004793.4 (MANE Select); coding-DNA position 1490, T replaced by C.
Protein change: p.Val497Ala; replaces valine 497 with alanine.
Molecular consequence: missense variant. On other transcripts: non-coding transcript variant (1).
Genome position (GRCh38, 1-based): chr19:5,700,805, A>G on the plus strand (T>C on the coding strand, the complement: LONP1 is on the minus strand). VCF-style: chr19-5700805-A-G. GRCh37 (hg19) VCF-style: chr19-5700816-A-G.
Other names: c.1298T>C, p.Val433Ala (NM_001276479.2); c.902T>C, p.Val301Ala (NM_001276480.1); short protein forms V497A, V301A, V433A.
Identifiers: ClinVar variation 4781633 (VCV004781633.1).